The following is an entry in ClinVar:

NM_014159.7(SETD2):c.1204C>T (p.Arg402Trp)

Gene: SETD2 (SET domain containing 2, histone lysine methyltransferase; minus strand). Cytogenetic location: 3p21.31.
Variant type: single nucleotide variant.
Coding change: c.1204C>T on transcript NM_014159.7 (MANE Select); coding-DNA position 1204, C replaced by T.
Protein change: p.Arg402Trp; replaces arginine 402 with tryptophan.
Molecular consequence: missense variant. On other transcripts: non-coding transcript variant (1).
Genome position (GRCh38, 1-based): chr3:47,123,432, G>A on the plus strand (C>T on the coding strand, the complement: SETD2 is on the minus strand). VCF-style: chr3-47123432-G-A. GRCh37 (hg19) VCF-style: chr3-47164922-G-A.
Other names: p.Arg402Trp; c.1204C>T (NM_014159.6); c.1072C>T, p.Arg358Trp (NM_001349370.3); short protein forms R358W, R402W.
Identifiers: ClinVar variation 872545 (VCV000872545.46), dbSNP rs779483918, ClinGen allele CA2363703.
Genomic context (GRCh38, chr3:47,123,432, plus strand): 5'-ACCTGGAATAGGATAAATTAGTTCTAGAGCCTCTCTCAGACCTAGAGTGAGATCTGCTCC[G>A]CCGTCGCTCTCTTTCTGATCTACATCGGGAAGATACATACCGAGTATCTCTTTCAAGTTT-3'
Protein context (NP_054878.5, residues 392-412): SRCRSERERR[Arg402Trp]SRSHSRSERG

ClinVar aggregate classification (germline): Conflicting classifications of pathogenicity. Review status: criteria provided, conflicting classifications (1 of 4 stars). 4 submissions from 4 submitters: Uncertain significance (2); Likely benign (2). Last evaluated 2025-10-02.

Conditions:
Inborn genetic diseases. Identifiers: MedGen C0950123, MeSH D030342.
Luscan-Lumish syndrome. Identifiers: Orphanet 597738, MedGen C4085873, MONDO:0014791, OMIM 616831.

Allele frequency attached by ClinVar (database versions not stated): gnomAD below 0.00001 and 0.00002; gnomAD exomes 0.00002 and 0.00003; TOPMed 0.00002; ExAC 0.00009.
gnomAD v4.1: 37 of 1,551,378 alleles (0.0024%); highest among the groups gnomAD compares: South Asian, 0.019%; 1 homozygote.

Submissions (4):

Mayo Clinic Laboratories, Mayo Clinic
Classification: Likely benign. Last evaluated: 2025-10-02. Review status: criteria provided, single submitter. Criteria: ACMG Guidelines, 2015. Collection method: clinical testing. Allele origin: germline. Observed: 1 variant allele.
Comment: BS2, BP4

Ambry Genetics
Classification: Likely benign for Inborn genetic diseases. Last evaluated: 2024-10-20. Review status: criteria provided, single submitter. Criteria: Ambry Variant Classification Scheme 2023. Collection method: clinical testing. Allele origin: germline.

Labcorp Genetics (formerly Invitae), Labcorp
Classification: Uncertain significance for Luscan-Lumish syndrome. Last evaluated: 2023-11-19. Review status: criteria provided, single submitter. Criteria: Invitae Variant Classification Sherloc (09022015). Collection method: clinical testing. Allele origin: germline.
Comment: This sequence change replaces arginine, which is basic and polar, with tryptophan, which is neutral and slightly polar, at codon 402 of the SETD2 protein (p.Arg402Trp). This variant is present in population databases (rs779483918, gnomAD 0.01%). This missense change has been observed in individual(s) with SETD2-related conditions (PMID: 29276005). ClinVar contains an entry for this variant (Variation ID: 872545). Advanced modeling of protein sequence and biophysical properties (such as structural, functional, and spatial information, amino acid conservation, physicochemical variation, residue mobility, and thermodynamic stability) performed at Invitae indicates that this missense variant is expected to disrupt SETD2 protein function with a positive predictive value of 80%. In summary, the available evidence is currently insufficient to determine the role of this variant in disease. Therefore, it has been classified as a Variant of Uncertain Significance.

CeGaT Center for Human Genetics Tuebingen
Classification: Uncertain significance. Last evaluated: 2019-11-01. Review status: criteria provided, single submitter. Criteria: CeGaT Center For Human Genetics Tuebingen Variant Classification Criteria Version 2. Collection method: clinical testing. Allele origin: germline. Affected: yes. Observed: 1 variant allele.

Literature cited by the submitters: PubMed 29276005 (cited by Mayo Clinic Laboratories, Mayo Clinic and Labcorp Genetics (formerly Invitae), Labcorp).